The following is an entry in ClinVar:

NM_000361.3(THBD):c.896A>G (p.Asn299Ser)

Gene: THBD (thrombomodulin; minus strand). Cytogenetic location: 20p11.21.
Variant type: single nucleotide variant.
Coding change: c.896A>G on transcript NM_000361.3 (MANE Select); coding-DNA position 896, A replaced by G.
Protein change: p.Asn299Ser; replaces asparagine 299 with serine.
Molecular consequence: missense variant.
Genome position (GRCh38, 1-based): chr20:23,048,609, T>C on the plus strand (A>G on the coding strand, the complement: THBD is on the minus strand). VCF-style: chr20-23048609-T-C. GRCh37 (hg19) VCF-style: chr20-23029246-T-C.
Other names: short protein forms N299S.
Identifiers: ClinVar variation 1964042 (VCV001964042.5), dbSNP rs760651071, ClinGen allele CA313551455.

ClinVar aggregate classification (germline): Uncertain significance (1 of 4 stars; one submission).

Submission:

Labcorp Genetics (formerly Invitae), Labcorp
Classification: Uncertain significance. Last evaluated: 2025-07-21. Review status: criteria provided, single submitter. Criteria: Invitae Variant Classification Sherloc (09022015). Collection method: clinical testing. Allele origin: germline.
Comment: This sequence change replaces asparagine, which is neutral and polar, with serine, which is neutral and polar, at codon 299 of the THBD protein (p.Asn299Ser). This variant is present in population databases (no rsID available, gnomAD 0.006%). This variant has not been reported in the literature in individuals affected with THBD-related conditions. ClinVar contains an entry for this variant (Variation ID: 1964042). Invitae Evidence Modeling of protein sequence and biophysical properties (such as structural, functional, and spatial information, amino acid conservation, physicochemical variation, residue mobility, and thermodynamic stability) indicates that this missense variant is not expected to disrupt THBD protein function with a negative predictive value of 80%. In summary, the available evidence is currently insufficient to determine the role of this variant in disease. Therefore, it has been classified as a Variant of Uncertain Significance.